The following is an entry in ClinVar:

ClinVar aggregate classification (germline): Uncertain significance (1 of 4 stars; one submission).

Conditions:
Hypokalemic periodic paralysis, type 2 (HOKPP2). Identifiers: Orphanet 681, MedGen C2750061, MONDO:0013234, OMIM 613345.

Allele frequency attached by ClinVar (database versions not stated): TOPMed below 0.00001; gnomAD 0.00001; gnomAD exomes 0.00001.
gnomAD v4.1: 8 of 1,613,876 alleles (0.0005%); highest among the groups gnomAD compares: Middle Eastern, 0.016%; no homozygotes.

Submission:

Dr. med. U. Finckh, Human Genetics, Eurofins MVZ
Classification: Uncertain significance for Hypokalemic periodic paralysis, type 2. Review status: criteria provided, single submitter. Criteria: ACMG Guidelines, 2015. Collection method: clinical testing. Allele origin: unknown.

NM_000334.4(SCN4A):c.5215C>T (p.Arg1739Cys)

Genes: GH-LCR (growth hormone locus control region; plus strand), SCN4A (sodium voltage-gated channel alpha subunit 4; minus strand). Cytogenetic location: 17q23.3.
Variant type: single nucleotide variant.
Coding change: c.5215C>T on transcript NM_000334.4 (MANE Select); coding-DNA position 5215, C replaced by T.
Protein change: p.Arg1739Cys; replaces arginine 1739 with cysteine.
Molecular consequence: missense variant.
Genome position (GRCh38, 1-based): chr17:63,941,067, G>A on the plus strand (C>T on the coding strand, the complement: SCN4A is on the minus strand). VCF-style: chr17-63941067-G-A. GRCh37 (hg19) VCF-style: chr17-62018427-G-A.
Other names: short protein forms R1739C.
Identifiers: ClinVar variation 2505545 (VCV002505545.1), dbSNP rs1429686217, ClinGen allele CA400613401.